The following is an entry in ClinVar:

NM_001321075.3(DLG4):c.940A>G (p.Ile314Val)

Genes: DLG4 (discs large MAGUK scaffold protein 4; minus strand), LOC126862479 (MED14-independent group 3 enhancer GRCh37_chr17:7099412-7100611; plus strand). Cytogenetic location: 17p13.1.
Variant type: single nucleotide variant.
Coding change: c.940A>G on transcript NM_001321075.3 (MANE Select); coding-DNA position 940, A replaced by G.
Protein change: p.Ile314Val; replaces isoleucine 314 with valine.
Molecular consequence: missense variant. On other transcripts: non-coding transcript variant (1).
Genome position (GRCh38, 1-based): chr17:7,196,900, T>C on the plus strand (A>G on the coding strand, the complement: DLG4 is on the minus strand). VCF-style: chr17-7196900-T-C. GRCh37 (hg19) VCF-style: chr17-7100219-T-C.
Other names: c.931A>G, p.Ile311Val (NM_001128827.4); c.1060A>G, p.Ile354Val (NM_001321074.1); c.760A>G, p.Ile254Val (NM_001321076.3, NM_001321077.3); c.1069A>G, p.Ile357Val (NM_001365.5); c.859A>G, p.Ile287Val (NM_001369566.3); short protein forms I254V, I287V, I311V, I314V, I354V, I357V.
Identifiers: ClinVar variation 5016738 (VCV005016738.1).

ClinVar aggregate classification (germline): Uncertain significance (1 of 4 stars; one submission).

Submission:

GeneDx
Classification: Uncertain significance. Last evaluated: 2026-03-26. Review status: criteria provided, single submitter. Criteria: GeneDx Variant Classification Process June 2021. Collection method: clinical testing. Allele origin: germline.
Comment: Not observed at significant frequency in large population cohorts (gnomAD); In silico analysis suggests that this missense variant does not alter protein structure/function; Has not been previously published as pathogenic or benign to our knowledge